The following is an entry in ClinVar:

ClinVar aggregate classification (germline): Uncertain significance (1 of 4 stars; one submission).

Submission:

GeneDx
Classification: Uncertain significance. Last evaluated: 2025-05-29. Review status: criteria provided, single submitter. Criteria: GeneDx Variant Classification Process June 2021. Collection method: clinical testing. Allele origin: germline.
Comment: Not observed at significant frequency in large population cohorts (gnomAD); In silico analysis supports that this missense variant has a deleterious effect on protein structure/function; Has not been previously published as pathogenic or benign to our knowledge

NM_012330.4(KAT6B):c.212A>G (p.Tyr71Cys)

Gene: KAT6B (lysine acetyltransferase 6B; plus strand). Cytogenetic location: 10q22.2.
Variant type: single nucleotide variant.
Coding change: c.212A>G on transcript NM_012330.4 (MANE Select); coding-DNA position 212, A replaced by G.
Protein change: p.Tyr71Cys; replaces tyrosine 71 with cysteine.
Molecular consequence: missense variant. On other transcripts: 5 prime UTR variant (2).
Genome position (GRCh38, 1-based): chr10:74,843,069, A>G. VCF-style: chr10-74843069-A-G. GRCh37 (hg19) VCF-style: chr10-76602827-A-G.
Other names: c.212A>G, p.Tyr71Cys (NM_001256468.2, NM_001256469.2, NM_001370132.1 and 10 more transcripts); c.-327A>G (NM_001370134.1, NM_001370135.1); short protein forms Y71C.
Identifiers: ClinVar variation 3897529 (VCV003897529.2).